The following is an entry in ClinVar:

NM_181703.4(GJA5):c.548A>C (p.His183Pro)

Gene: GJA5 (gap junction protein alpha 5; minus strand). Cytogenetic location: 1q21.2.
Variant type: single nucleotide variant.
Coding change: c.548A>C on transcript NM_181703.4 (MANE Select); coding-DNA position 548, A replaced by C.
Protein change: p.His183Pro; replaces histidine 183 with proline.
Molecular consequence: missense variant.
Genome position (GRCh38, 1-based): chr1:147,758,691, T>G on the plus strand (A>C on the coding strand, the complement: GJA5 is on the minus strand). VCF-style: chr1-147758691-T-G. GRCh37 (hg19) VCF-style: chr1-147230799-T-G.
Other names: c.548A>C, p.His183Pro (NM_005266.7); short protein forms H183P.
Identifiers: ClinVar variation 4788895 (VCV004788895.1).

ClinVar aggregate classification (germline): Uncertain significance (1 of 4 stars; one submission).

Conditions:
Atrial standstill 1 (ATRST1). Also called: ATRIAL CARDIOMYOPATHY WITH HEART BLOCK; CARDIOMYOPATHY, FAMILIAL, WITH CONDUCTION DISTURBANCE; Atrial standstill, digenic (GJA5/SCN5A). Identifiers: Orphanet 1344, MedGen C4551959, MONDO:0007171, OMIM 108770.
Atrial fibrillation, familial, 11 (ATFB11). Identifiers: MedGen C3279693, MONDO:0013544, OMIM 614049.

gnomAD v4.1: 1 of 1,614,130 alleles (0.000062%); highest among the groups gnomAD compares: Admixed American, 0.0017%; no homozygotes.

Submission:

Labcorp Genetics (formerly Invitae), Labcorp
Classification: Uncertain significance for Atrial fibrillation, familial, 11; Atrial standstill 1. Last evaluated: 2025-11-12. Review status: criteria provided, single submitter. Criteria: Invitae Variant Classification Sherloc (09022015). Collection method: clinical testing. Allele origin: germline.
Comment: This sequence change replaces histidine, which is basic and polar, with proline, which is neutral and non-polar, at codon 183 of the GJA5 protein (p.His183Pro). This variant is present in population databases (rs781975226, gnomAD 0.003%). This variant has not been reported in the literature in individuals affected with GJA5-related conditions. Invitae Evidence Modeling of protein sequence and biophysical properties (such as structural, functional, and spatial information, amino acid conservation, physicochemical variation, residue mobility, and thermodynamic stability) indicates that this missense variant is not expected to disrupt GJA5 protein function with a negative predictive value of 80%. In summary, the available evidence is currently insufficient to determine the role of this variant in disease. Therefore, it has been classified as a Variant of Uncertain Significance.